The following is an entry in ClinVar:

NM_001032386.2(SUOX):c.98del (p.Asn33fs)

Gene: SUOX (sulfite oxidase; plus strand). Cytogenetic location: 12q13.2.
Variant type: Deletion.
Coding change: c.98del on transcript NM_001032386.2 (MANE Select); coding-DNA position 98, one base deleted (A; older notation c.98delA).
Protein change: p.Asn33fs; shifts the reading frame from asparagine 33.
Molecular consequence: frameshift variant.
Genome position (GRCh38, 1-based): chr12:56,002,590, A deleted; the last of 3 consecutive A bases (chr12:56,002,588-56,002,590); deleting any one gives the same sequence. VCF-style (leftmost placement, unchanged base first): chr12-56002587-CA-C. GRCh37 (hg19) VCF-style: chr12-56396371-CA-C.
Other names: c.98del, p.Asn33fs (NM_000456.3, NM_001032387.2); short protein forms N33fs.
Identifiers: ClinVar variation 529474 (VCV000529474.10), dbSNP rs773937413, ClinGen allele CA6620879.
Genomic context (GRCh38, chr12:56,002,587, plus strand): 5'-CCGACCTCTCTTCCAGACTCAAGTCAATCCCCTCAAGGATCTGCATTCAGGCCTGCTCCA[CA>C]AATGATTCATTTCAGCCCCAGCGCCCCAGCCTCACCTTCTCTGGTGATAACTCCAGCACC-3'

ClinVar aggregate classification (germline): Pathogenic (1 of 4 stars; one submission).

Conditions:
Sulfite oxidase deficiency. Also called: Isolated sulfite oxidase deficiency. Identifiers: Orphanet 833, Orphanet 99731, MedGen C0268624, MONDO:0010089, OMIM 272300, HP:0003643.

Submission:

Labcorp Genetics (formerly Invitae), Labcorp
Classification: Pathogenic for Sulfite oxidase deficiency. Last evaluated: 2023-10-06. Review status: criteria provided, single submitter. Criteria: Invitae Variant Classification Sherloc (09022015). Collection method: clinical testing. Allele origin: germline.
Comment: This sequence change creates a premature translational stop signal (p.Asn33Metfs*30) in the SUOX gene. While this is not anticipated to result in nonsense mediated decay, it is expected to disrupt the last 513 amino acid(s) of the SUOX protein. This variant is present in population databases (rs773937413, gnomAD 0.0009%). This variant has not been reported in the literature in individuals affected with SUOX-related conditions. ClinVar contains an entry for this variant (Variation ID: 529474). This variant disrupts a region of the SUOX protein in which other variant(s) (p.Tyr400*) have been determined to be pathogenic (PMID: 12112661, 23994568, 24938149, 28629418). This suggests that this is a clinically significant region of the protein, and that variants that disrupt it are likely to be disease-causing. For these reasons, this variant has been classified as Pathogenic.

Literature cited by the submitters: PubMed 12112661; PubMed 23994568; PubMed 24938149; PubMed 28629418.